The following is an entry in ClinVar:

NM_024700.4(SNIP1):c.506C>T (p.Thr169Ile)

Genes: SNIP1 (Smad nuclear interacting protein 1; minus strand), LOC126805704 (BRD4-independent group 4 enhancer GRCh37_chr1:38005292-38006491; plus strand). Cytogenetic location: 1p34.3.
Variant type: single nucleotide variant.
Coding change: c.506C>T on transcript NM_024700.4 (MANE Select); coding-DNA position 506, C replaced by T.
Protein change: p.Thr169Ile; replaces threonine 169 with isoleucine.
Molecular consequence: missense variant.
Genome position (GRCh38, 1-based): chr1:37,540,577, G>A on the plus strand (C>T on the coding strand, the complement: SNIP1 is on the minus strand). VCF-style: chr1-37540577-G-A. GRCh37 (hg19) VCF-style: chr1-38006178-G-A.
Other names: short protein forms T169I.
Identifiers: ClinVar variation 2781510 (VCV002781510.3), dbSNP rs1643161845, ClinGen allele CA339451888.

ClinVar aggregate classification (germline): Uncertain significance (1 of 4 stars; one submission).

Allele frequency attached by ClinVar (database versions not stated): gnomAD exomes below 0.00001; TOPMed below 0.00001.
gnomAD v4.1: 1 of 1,614,066 alleles (0.000062%); highest among the groups gnomAD compares: African/African-American, 0.0013%; no homozygotes.

Submission:

Labcorp Genetics (formerly Invitae), Labcorp
Classification: Uncertain significance. Last evaluated: 2023-01-17. Review status: criteria provided, single submitter. Criteria: Invitae Variant Classification Sherloc (09022015). Collection method: clinical testing. Allele origin: germline.
Comment: In summary, the available evidence is currently insufficient to determine the role of this variant in disease. Therefore, it has been classified as a Variant of Uncertain Significance. Advanced modeling of protein sequence and biophysical properties (such as structural, functional, and spatial information, amino acid conservation, physicochemical variation, residue mobility, and thermodynamic stability) performed at Invitae indicates that this missense variant is not expected to disrupt SNIP1 protein function. This variant has not been reported in the literature in individuals affected with SNIP1-related conditions. This variant is not present in population databases (gnomAD no frequency). This sequence change replaces threonine, which is neutral and polar, with isoleucine, which is neutral and non-polar, at codon 169 of the SNIP1 protein (p.Thr169Ile).